The following is an entry in ClinVar:

ClinVar aggregate classification (germline): Conflicting classifications of pathogenicity. Review status: criteria provided, conflicting classifications (1 of 4 stars). 4 submissions from 4 submitters: Uncertain significance (3); Likely benign (1). Last evaluated 2025-12-21.

Conditions:
Renal cell carcinoma. Identifiers: Orphanet 217071, MedGen C0007134, MeSH D002292, MONDO:0005086, HP:0005584.
Hereditary cancer-predisposing syndrome. Also called: Neoplastic Syndromes, Hereditary; Tumor predisposition; Hereditary Cancer Syndrome; Hereditary neoplastic syndrome. Identifiers: Orphanet 140162, MedGen C0027672, MeSH D009386, MONDO:0015356.
Autosomal recessive nonsyndromic hearing loss 97. Also called: Deafness, autosomal recessive 97. Identifiers: Orphanet 90636, MedGen C4084709, MONDO:0014739, OMIM 616705.

Allele frequency attached by ClinVar (database versions not stated): gnomAD exomes 0.00001 and 0.00002; ExAC 0.00002; TOPMed 0.00002; ESP Exome Variant Server 0.00008.
gnomAD v4.1: 19 of 1,613,962 alleles (0.0012%); highest among the groups gnomAD compares: East Asian, 0.0045%; no homozygotes.

Submissions (4):

Labcorp Genetics (formerly Invitae), Labcorp
Classification: Uncertain significance for Renal cell carcinoma. Last evaluated: 2025-12-21. Review status: criteria provided, single submitter. Criteria: Invitae Variant Classification Sherloc (09022015). Collection method: clinical testing. Allele origin: germline.
Comment: This sequence change replaces threonine, which is neutral and polar, with methionine, which is neutral and non-polar, at codon 511 of the MET protein (p.Thr511Met). This variant is present in population databases (rs371124109, gnomAD 0.02%). This variant has not been reported in the literature in individuals affected with MET-related conditions. ClinVar contains an entry for this variant (Variation ID: 819479). Invitae Evidence Modeling of protein sequence and biophysical properties (such as structural, functional, and spatial information, amino acid conservation, physicochemical variation, residue mobility, and thermodynamic stability) indicates that this missense variant is not expected to disrupt MET protein function with a negative predictive value of 80%. In summary, the available evidence is currently insufficient to determine the role of this variant in disease. Therefore, it has been classified as a Variant of Uncertain Significance.

GeneDx
Classification: Uncertain significance. Last evaluated: 2024-02-26. Review status: criteria provided, single submitter. Criteria: GeneDx Variant Classification Process June 2021. Collection method: clinical testing. Allele origin: germline. Affected: yes.
Comment: In silico analysis supports that this missense variant does not alter protein structure/function; Has not been previously published as pathogenic or benign to our knowledge

Baylor Genetics
Classification: Uncertain significance for Autosomal recessive nonsyndromic hearing loss 97. Last evaluated: 2023-09-20. Review status: criteria provided, single submitter. Criteria: ACMG Guidelines, 2015. Collection method: clinical testing. Allele origin: unknown.

Ambry Genetics
Classification: Likely benign for Hereditary cancer-predisposing syndrome. Last evaluated: 2022-11-22. Review status: criteria provided, single submitter. Criteria: Ambry Variant Classification Scheme 2023. Collection method: clinical testing. Allele origin: germline.

NM_000245.4(MET):c.1532C>T (p.Thr511Met)

Gene: MET (MET proto-oncogene, receptor tyrosine kinase; plus strand). Cytogenetic location: 7q31.2.
Variant type: single nucleotide variant.
Coding change: c.1532C>T on transcript NM_000245.4 (MANE Select); coding-DNA position 1532, C replaced by T.
Protein change: p.Thr511Met; replaces threonine 511 with methionine.
Molecular consequence: missense variant.
Genome position (GRCh38, 1-based): chr7:116,740,856, C>T. VCF-style: chr7-116740856-C-T. GRCh37 (hg19) VCF-style: chr7-116380910-C-T.
Other names: c.1532C>T, p.Thr511Met (NM_001127500.3, NM_001324401.3); c.242C>T, p.Thr81Met (NM_001324402.2); short protein forms T81M, T511M.
Identifiers: ClinVar variation 819479 (VCV000819479.17), dbSNP rs371124109, ClinGen allele CA4448200.